The following is an entry in ClinVar:

NM_004924.6(ACTN4):c.2629G>A (p.Glu877Lys)

Gene: ACTN4 (actinin alpha 4; plus strand). Cytogenetic location: 19q13.2.
Variant type: single nucleotide variant.
Coding change: c.2629G>A on transcript NM_004924.6 (MANE Select); coding-DNA position 2629, G replaced by A.
Protein change: p.Glu877Lys; replaces glutamic acid 877 with lysine.
Molecular consequence: missense variant.
Genome position (GRCh38, 1-based): chr19:38,729,325, G>A. VCF-style: chr19-38729325-G-A. GRCh37 (hg19) VCF-style: chr19-39219965-G-A.
Other names: c.2614G>A, p.Glu872Lys (NM_001322033.2); c.2629G>A, p.Glu877Lys (NM_001411143.1); short protein forms E872K, E877K.
Identifiers: ClinVar variation 2736887 (VCV002736887.2), dbSNP rs527335986, ClinGen allele CA9418121.
Genomic context (GRCh38, chr19:38,729,325, plus strand): 5'-CTGCCCCAGAACTTCATCACAGCTGAGGAGCTGCGGAGAGAGCTGCCCCCCGACCAGGCC[G>A]AGTACTGCATCGCCCGCATGGCGCCATACCAGGGCCCTGACGCCGTGCCCGGTGCCCTCG-3'
Protein context (NP_004915.2, residues 867-887): LRRELPPDQA[Glu877Lys]YCIARMAPYQ

ClinVar aggregate classification (germline): Uncertain significance (1 of 4 stars; one submission).

Allele frequency attached by ClinVar (database versions not stated): gnomAD 0.00003; gnomAD exomes 0.00003; ExAC 0.00007; 1000 Genomes Project 0.00020; 1000 Genomes Project 30x 0.00031.
gnomAD v4.1: 43 of 1,612,920 alleles (0.0027%); highest among the groups gnomAD compares: South Asian, 0.024%; no homozygotes.

Submission:

Labcorp Genetics (formerly Invitae), Labcorp
Classification: Uncertain significance. Last evaluated: 2024-02-17. Review status: criteria provided, single submitter. Criteria: Invitae Variant Classification Sherloc (09022015). Collection method: clinical testing. Allele origin: germline.
Comment: This sequence change replaces glutamic acid, which is acidic and polar, with lysine, which is basic and polar, at codon 877 of the ACTN4 protein (p.Glu877Lys). This variant is present in population databases (rs527335986, gnomAD 0.03%). This missense change has been observed in individual(s) with steroid resistant nephrotic syndrome (PMID: 28780565). An algorithm developed to predict the effect of missense changes on protein structure and function (PolyPhen-2) suggests that this variant is likely to be disruptive. In summary, the available evidence is currently insufficient to determine the role of this variant in disease. Therefore, it has been classified as a Variant of Uncertain Significance.

Literature cited by the submitters: PubMed 28780565.